The following is an entry in ClinVar:

ClinVar aggregate classification (germline): Conflicting classifications of pathogenicity. Review status: criteria provided, conflicting classifications (1 of 4 stars). 3 submissions from 3 submitters: Uncertain significance (2); Likely benign (1). Last evaluated 2026-06-06.

Conditions:
RAI1-related disorder. Also called: RAI1-related condition.
Inborn genetic diseases. Identifiers: MedGen C0950123, MeSH D030342.

gnomAD v4.1: 18 of 1,613,326 alleles (0.0011%); highest among the groups gnomAD compares: Admixed American, 0.0017%; no homozygotes.

Submissions (3):

PreventionGenetics, part of Exact Sciences
Classification: Uncertain significance for RAI1-related condition. Last evaluated: 2026-06-06. Review status: criteria provided, single submitter. Criteria: ACMG Guidelines, 2015. Collection method: clinical testing. Allele origin: germline.
Comment: The RAI1 c.1280T>C variant is predicted to result in the amino acid substitution p.Leu427Pro. To our knowledge, this variant has not been reported in the literature. This variant is reported in 0.0029% of alleles in individuals of Latino descent in gnomAD. At this time, the clinical significance of this variant is uncertain due to the absence of conclusive functional and genetic evidence.

Labcorp Genetics (formerly Invitae), Labcorp
Classification: Uncertain significance. Last evaluated: 2024-11-27. Review status: criteria provided, single submitter. Criteria: Invitae Variant Classification Sherloc (09022015). Collection method: clinical testing. Allele origin: germline.
Comment: This sequence change replaces leucine, which is neutral and non-polar, with proline, which is neutral and non-polar, at codon 427 of the RAI1 protein (p.Leu427Pro). This variant is present in population databases (rs776923525, gnomAD 0.003%). This variant has not been reported in the literature in individuals affected with RAI1-related conditions. Invitae Evidence Modeling of protein sequence and biophysical properties (such as structural, functional, and spatial information, amino acid conservation, physicochemical variation, residue mobility, and thermodynamic stability) indicates that this missense variant is expected to disrupt RAI1 protein function with a positive predictive value of 80%. In summary, the available evidence is currently insufficient to determine the role of this variant in disease. Therefore, it has been classified as a Variant of Uncertain Significance.

Ambry Genetics
Classification: Likely benign for Inborn genetic diseases. Last evaluated: 2024-08-20. Review status: criteria provided, single submitter. Criteria: Ambry Variant Classification Scheme 2023. Collection method: clinical testing. Allele origin: germline.

NM_030665.4(RAI1):c.1280T>C (p.Leu427Pro)

Gene: RAI1 (retinoic acid induced 1; plus strand). Cytogenetic location: 17p11.2.
Variant type: single nucleotide variant.
Coding change: c.1280T>C on transcript NM_030665.4 (MANE Select); coding-DNA position 1280, T replaced by C.
Protein change: p.Leu427Pro; replaces leucine 427 with proline.
Molecular consequence: missense variant.
Genome position (GRCh38, 1-based): chr17:17,794,228, T>C. VCF-style: chr17-17794228-T-C. GRCh37 (hg19) VCF-style: chr17-17697542-T-C.
Other names: short protein forms L427P.
Identifiers: ClinVar variation 3429970 (VCV003429970.4).